The following is an entry in ClinVar:

NM_000186.4(CFH):c.1695T>C (p.Tyr565=)

Gene: CFH (complement factor H; plus strand). Cytogenetic location: 1q31.3.
Variant type: single nucleotide variant.
Coding change: c.1695T>C on transcript NM_000186.4 (MANE Select); coding-DNA position 1695, T replaced by C.
Protein change: p.Tyr565=; no amino-acid change (tyrosine 565 retained).
Molecular consequence: synonymous variant.
Genome position (GRCh38, 1-based): chr1:196,715,768, T>C. VCF-style: chr1-196715768-T-C. GRCh37 (hg19) VCF-style: chr1-196684898-T-C.
Identifiers: ClinVar variation 3728333 (VCV003728333.2).

ClinVar aggregate classification (germline): Uncertain significance (1 of 4 stars; one submission).

gnomAD v4.1: 6 of 1,598,884 alleles (0.00038%); highest among the groups gnomAD compares: East Asian, 0.0022%; no homozygotes.

Submission:

Labcorp Genetics (formerly Invitae), Labcorp
Classification: Uncertain significance. Last evaluated: 2024-12-31. Review status: criteria provided, single submitter. Criteria: Invitae Variant Classification Sherloc (09022015). Collection method: clinical testing. Allele origin: germline.
Comment: This sequence change affects codon 565 of the CFH mRNA. It is a 'silent' change, meaning that it does not change the encoded amino acid sequence of the CFH protein. It affects a nucleotide within the consensus splice site. This variant is present in population databases (rs773074754, gnomAD no frequency). This variant has not been reported in the literature in individuals affected with CFH-related conditions. Algorithms developed to predict the effect of sequence changes on RNA splicing suggest that this variant is not likely to affect RNA splicing. In summary, the available evidence is currently insufficient to determine the role of this variant in disease. Therefore, it has been classified as a Variant of Uncertain Significance.